The following is an entry in ClinVar:

ClinVar aggregate classification (germline): Pathogenic/Likely pathogenic. Review status: criteria provided, multiple submitters, no conflicts (2 of 4 stars). 8 submissions from 8 submitters: Pathogenic (2); Likely pathogenic (4). 2 of the submissions do not count toward it. Last evaluated 2026-08-26.

Conditions:
Hereditary cancer-predisposing syndrome. Also called: Hereditary neoplastic syndrome; Neoplastic Syndromes, Hereditary; Hereditary Cancer Syndrome; Tumor predisposition. Identifiers: Orphanet 140162, MedGen C0027672, MeSH D009386, MONDO:0015356.
Breast neoplasm. Also called: Breast Neoplasms; Neoplasm of the breast; Neoplasm of breast; Breast tumor. Identifiers: MedGen C1458155, MeSH D001943, MONDO:0021100, HP:0100013. Disease mechanism: gain of function.
Hereditary breast ovarian cancer syndrome. Also called: Hereditary breast and/or ovarian cancer syndrome; Breast and ovarian cancer; BRCA1- and BRCA2-Associated Hereditary Breast and Ovarian Cancer; Hereditary breast and ovarian cancer syndrome (HBOC); Hereditary breast and ovarian cancer syndrome; Hereditary breast and ovarian cancer. Identifiers: Orphanet 145, MedGen C0677776, MeSH D061325, MONDO:0003582. Disease mechanism: loss of function.
Breast-ovarian cancer, familial, susceptibility to, 2 (BROVCA2). Also called: BRCA2 Hereditary Breast and Ovarian Cancer. Identifiers: Orphanet 145, MedGen C2675520, MONDO:0012933, OMIM 612555. Disease mechanism: loss of function.
Familial cancer of breast. Also called: Hereditary breast cancer; hereditary breast carcinoma; BREAST CANCER, FAMILIAL. Identifiers: Orphanet 227535, MedGen C0346153, MONDO:0016419, OMIM 114480. Disease mechanism: loss of function.

Submissions (8):

Myriad Genetics, Inc.
Classification: Likely pathogenic for Breast-ovarian cancer, familial, susceptibility to, 2. Last evaluated: 2026-08-26. Review status: criteria provided, single submitter. Criteria: Myriad Autosomal Dominant, Autosomal Recessive and X-Linked Classification Criteria (2023). Collection method: clinical testing. Allele origin: unknown.
Comment: This variant is considered likely pathogenic. mRNA analysis has demonstrated abnormal mRNA splicing occurs [Myriad internal data].

Ambry Genetics
Classification: Pathogenic for Hereditary cancer-predisposing syndrome. Last evaluated: 2025-09-17. Review status: criteria provided, single submitter. Criteria: Ambry Variant Classification Scheme 2023. Collection method: clinical testing. Allele origin: germline.
Comment: The c.8632G>A pathogenic mutation (also known as p.E2878K), located in coding exon 19 of the BRCA2 gene, results from a G to A substitution at nucleotide position 8632. The amino acid change results in glutamic acid to lysine at codon 2878, an amino acid with similar properties. However, this change occurs in the last base pair of coding exon 19, which makes it likely to have some effect on normal mRNA splicing. This variant has been reported in the literature in several individuals from breast and ovarian cancer cohorts (Bhaskaran SP et al. Int J Cancer, 2019 08;145:962-973; Zhong X et al. PLoS One, 2016 Jun;11:e0156789; Ercoskun P et al. Mol Syndromol. 2022 Feb;13(2):123-131; Zhang Y et al. BMC Cancer, 2022 Aug;22:842; Di Rado S et al. Cancers (Basel), 2023 Dec;15). This variant is considered to be rare based on population cohorts in the Genome Aggregation Database (gnomAD). Two saturation genome editing-based studies, including a haploid cell-survival assay and a humanized mouse embryonic stem cell line assay of drug response and survival, demonstrate that this nucleotide substitution is non-functional (Huang H et al. Nature. 2025 Feb;638(8050):528-537; Sahu S et al. Nature. 2025 Feb;638(8050):538-545). This amino acid position is well conserved in available vertebrate species. In silico splice site analysis predicts that this alteration will weaken the native splice donor site and may result in the creation or strengthening of a novel splice donor site. RNA studies have demonstrated that this alteration results in abnormal splicing in the set of samples tested (Ambry internal data). Based on the supporting evidence, this variant is interpreted as a disease-causing mutation.

GeneKor MSA
Classification: Likely pathogenic for Hereditary breast ovarian cancer syndrome. Last evaluated: 2025-06-26. Review status: criteria provided, single submitter. Criteria: ACMG Guidelines, 2015. Collection method: clinical testing. Allele origin: germline.
Comment: This sequence change replaces Glutamic acid with Lysine at codon 2878 of the BRCA2 protein. The glutamic acid residue is moderately conserved among species in a domain of the protein that is not known to be functionally important. This variant also falls at the last nucleotide of exon 20, which is part of the consensus splice site for this exon and has been reported in the international literature in individual(s) with breast and/or ovarian cancer (PMID:27257965, 30702160).Algorithms developed to predict the effect of single base changes on mRNA splicing suggest that this variant may alter this cellular process, although this prediction has not been proven by experimental data. Variants that disrupt the consensus splice site are a relatively common cause of aberrant splicing (PMID:17576681, 9536098). The mutation database ClinVar contains multiple entries for this variant (VCV000091730.17). Based on the classification criteria set by the ACMG and AMP (PMID:25741868) this variant has been classified as likely pathogenic.

Labcorp Genetics (formerly Invitae), Labcorp
Classification: Pathogenic for Hereditary breast ovarian cancer syndrome. Last evaluated: 2025-04-02. Review status: criteria provided, single submitter. Criteria: Invitae Variant Classification Sherloc (09022015). Collection method: clinical testing. Allele origin: germline.
Comment: This sequence change replaces glutamic acid, which is acidic and polar, with lysine, which is basic and polar, at codon 2878 of the BRCA2 protein (p.Glu2878Lys). RNA analysis indicates that this missense change induces altered splicing and may result in an absent or altered protein product. This variant is not present in population databases (gnomAD no frequency). This missense change has been observed in individual(s) with breast and/or ovarian cancer (PMID: 27257965, 30702160, 35418818). It has also been observed to segregate with disease in related individuals. ClinVar contains an entry for this variant (Variation ID: 91730). An algorithm developed to predict the effect of missense changes on protein structure and function (PolyPhen-2) suggests that this variant is likely to be disruptive. Variants that disrupt the consensus splice site are a relatively common cause of aberrant splicing (PMID: 17576681, 9536098). Studies have shown that this missense change results in skipping of exon 20, and produces a non-functional protein and/or introduces a premature termination codon (internal data). For these reasons, this variant has been classified as Pathogenic.

Women's Health and Genetics/Laboratory Corporation of America, LabCorp
Classification: Likely pathogenic for Hereditary breast ovarian cancer syndrome. Last evaluated: 2024-06-27. Review status: criteria provided, single submitter. Criteria: LabCorp Variant Classification Summary - May 2015. Collection method: clinical testing. Allele origin: germline.
Comment: Variant summary: BRCA2 c.8632G>A (p.Glu2878Lys) results in a conservative amino acid change located in the BRCA2, OB2 domain (IPR048262) of the encoded protein sequence. Three of five in-silico tools predict a benign effect of the variant on protein function. Several computational tools predict a significant impact on normal splicing: Three predict the variant abolishes/weakens the canonical 5' splicing donor site. Further, 2 independent clinical laboratories with established RNA assays reported that this variant causes skipping of exon 20 (NMD predicted) and/or aberrant splicing (Invitae, Ambry Genetics; ClinVar). The variant was absent in 250782 control chromosomes. c.8632G>A has been reported in the literature in the heterozygous state in multiple individuals affected with clinical features of Hereditary Breast And Ovarian Cancer Syndrome (example, Zhong_2016, Bhaskaran_2019, Gao_2020, Ercoskun_2022, DiRado_2023, Zhang_2022). These reports suggest the variant may be associated with BRCA2-related conditions. The following publications have been ascertained in the context of this evaluation (PMID: 30702160, 38136276, 35418818, 31825140, 35918668, 27257965). ClinVar contains an entry for this variant (Variation ID: 91730). Based on the evidence outlined above, the variant was classified as likely pathogenic.

Laboratory of Molecular Diagnosis of Cancer, West China Hospital, Sichuan University
Classification: Likely pathogenic for Breast neoplasm. Last evaluated: 2015-11-01. Review status: criteria provided, single submitter. Criteria: ACMG Guidelines, 2015. Collection method: research. Allele origin: germline. Affected: yes. Observed: 2 variant alleles.

Sharing Clinical Reports Project (SCRP)
Classification: Uncertain significance for Breast-ovarian cancer, familial 2. Last evaluated: 2007-11-27. Review status: flagged submission. Collection method: clinical testing. Allele origin: germline. Not counted in ClinVar's aggregate classification.
ClinVar note: Reason: Outlier claim with insufficient supporting evidence

Center for Precision Medicine, Meizhou People's Hospital
Classification: Uncertain significance for Familial cancer of breast. Review status: flagged submission. Collection method: literature only. Allele origin: germline. Affected: yes. Not counted in ClinVar's aggregate classification.
ClinVar note: Reason: Claim with insufficient supporting evidence

Literature cited by the submitters: PubMed 27257965 (cited by 5 submitters); PubMed 28664449 (cited by Ambry Genetics and Center for Precision Medicine, Meizhou People's Hospital); PubMed 30702160 (cited by 5 submitters); PubMed 31825140 (cited by 3 submitters); PubMed 32566972 (cited by Ambry Genetics); PubMed 35418818 (cited by 3 submitters); PubMed 35918668 (cited by Ambry Genetics and Women's Health and Genetics/Laboratory Corporation of America, LabCorp); PubMed 38136276 (cited by Ambry Genetics and Women's Health and Genetics/Laboratory Corporation of America, LabCorp); PubMed 39779848 (cited by Ambry Genetics); PubMed 39779857 (cited by Ambry Genetics); PubMed 17576681 (cited by GeneKor MSA and Labcorp Genetics (formerly Invitae), Labcorp); PubMed 9536098 (cited by GeneKor MSA and Labcorp Genetics (formerly Invitae), Labcorp).

NM_000059.4(BRCA2):c.8632G>A (p.Glu2878Lys)

Gene: BRCA2 (BRCA2 DNA repair associated; plus strand). Cytogenetic location: 13q13.1.
Variant type: single nucleotide variant.
Coding change: c.8632G>A on transcript NM_000059.4 (MANE Select); coding-DNA position 8632, G replaced by A.
Protein change: p.Glu2878Lys; replaces glutamic acid 2878 with lysine.
Molecular consequence: missense variant.
Genome position (GRCh38, 1-based): chr13:32,371,100, G>A. VCF-style: chr13-32371100-G-A. GRCh37 (hg19) VCF-style: chr13-32945237-G-A.
Other names: 8860G>A; short protein forms E2878K.
Identifiers: ClinVar variation 91730 (VCV000091730.21), dbSNP rs398122710, ClinGen allele CA025745.